The following is an entry in ClinVar:

ClinVar aggregate classification (germline): Uncertain significance (1 of 4 stars; one submission).

Conditions:
Inborn genetic diseases. Identifiers: MedGen C0950123, MeSH D030342.

gnomAD v4.1: 1 of 1,614,124 alleles (0.000062%); highest among the groups gnomAD compares: Non-Finnish European, 0.000085%; no homozygotes.

Submission:

Ambry Genetics
Classification: Uncertain significance for Inborn genetic diseases. Last evaluated: 2019-11-22. Review status: criteria provided, single submitter. Criteria: Ambry Variant Classification Scheme 2023. Collection method: clinical testing. Allele origin: germline.
Comment: The p.V418L variant (also known as c.1252G>T), located in coding exon 10 of the OPTN gene, results from a G to T substitution at nucleotide position 1252. The valine at codon 418 is replaced by leucine, an amino acid with highly similar properties. This amino acid position is highly conserved in available vertebrate species. In addition, the in silico prediction for this alteration is inconclusive. Since supporting evidence is limited at this time, the clinical significance of this alteration remains unclear.

NM_001008212.2(OPTN):c.1252G>T (p.Val418Leu)

Gene: OPTN (optineurin; plus strand). Cytogenetic location: 10p13.
Variant type: single nucleotide variant.
Coding change: c.1252G>T on transcript NM_001008212.2 (MANE Select); coding-DNA position 1252, G replaced by T.
Protein change: p.Val418Leu; replaces valine 418 with leucine.
Molecular consequence: missense variant.
Genome position (GRCh38, 1-based): chr10:13,127,754, G>T. VCF-style: chr10-13127754-G-T. GRCh37 (hg19) VCF-style: chr10-13169754-G-T.
Other names: c.1252G>T, p.Val418Leu (NM_001008211.1, NM_001008213.1, NM_021980.4); short protein forms V418L.
Identifiers: ClinVar variation 1761125 (VCV001761125.2), dbSNP rs778018503, ClinGen allele CA376029800.
Genomic context (GRCh38, chr10:13,127,754, plus strand): 5'-ACAGGCAGAATTATTTCAAAACCATTTCTAGAATAAATGTTTCTTTTTCAGTCAGAAAAA[G>T]TGGACAGGGCAGTGCTGAAGGAACTGAGTGAAAAACTGGAACTGGCAGAGAAGGCTCTGG-3'
Protein context (NP_001008213.1, residues 408-428): EELTRKESEK[Val418Leu]DRAVLKELSE